The following is an entry in ClinVar:

ClinVar aggregate classification (germline): Uncertain significance. Review status: criteria provided, multiple submitters, no conflicts (2 of 4 stars). 2 submissions from 2 submitters: Uncertain significance (2). Last evaluated 2025-05-27.

Conditions:
Hereditary cancer-predisposing syndrome. Also called: Tumor predisposition; Neoplastic Syndromes, Hereditary; Hereditary neoplastic syndrome; Hereditary Cancer Syndrome. Identifiers: Orphanet 140162, MedGen C0027672, MeSH D009386, MONDO:0015356.
RET-related disorder. Also called: RET-related condition; RET-related disease; RET-related disorders.

Allele frequency attached by ClinVar (database versions not stated): gnomAD 0.00001.
gnomAD v4.1: 7 of 1,614,144 alleles (0.00043%); highest among the groups gnomAD compares: African/African-American, 0.0013%; no homozygotes.

Submissions (2):

Ambry Genetics
Classification: Uncertain significance for Hereditary cancer-predisposing syndrome. Last evaluated: 2025-05-27. Review status: criteria provided, single submitter. Criteria: Ambry Variant Classification Scheme 2023. Collection method: clinical testing. Allele origin: germline.
Comment: The p.P155S variant (also known as c.463C>T), located in coding exon 3 of the RET gene, results from a C to T substitution at nucleotide position 463. The proline at codon 155 is replaced by serine, an amino acid with similar properties. This amino acid position is conserved. In addition, the in silico prediction for this alteration is inconclusive. Based on the available evidence, the clinical significance of this variant remains unclear.

PreventionGenetics, part of Exact Sciences
Classification: Uncertain significance for RET-related condition. Last evaluated: 2023-09-27. Review status: criteria provided, single submitter. Criteria: ACMG Guidelines, 2015. Collection method: clinical testing. Allele origin: germline.
Comment: The RET c.463C>T variant is predicted to result in the amino acid substitution p.Pro155Ser. To our knowledge, this variant has not been reported in the literature. This variant is reported in 1 of ~31,400 alleles in gnomAD. At this time, the clinical significance of this variant is uncertain due to the absence of conclusive functional and genetic evidence.

NM_020975.6(RET):c.463C>T (p.Pro155Ser)

Gene: RET (ret proto-oncogene; plus strand). Cytogenetic location: 10q11.21.
Variant type: single nucleotide variant.
Coding change: c.463C>T on transcript NM_020975.6 (MANE Select); coding-DNA position 463, C replaced by T.
Protein change: p.Pro155Ser; replaces proline 155 with serine.
Molecular consequence: missense variant. On other transcripts: intron variant (22).
Genome position (GRCh38, 1-based): chr10:43,102,467, C>T. VCF-style: chr10-43102467-C-T. GRCh37 (hg19) VCF-style: chr10-43597915-C-T.
Other names: c.463C>T, p.Pro155Ser (NM_000323.2, NM_001406743.1, NM_001406744.1 and 16 more transcripts); c.338-4C>T (NM_001406764.1, NM_001406762.1, NM_001406761.1 and 4 more transcripts); c.337+1745C>T (NM_001406770.1, NM_001406766.1, NM_001406767.1 and 8 more transcripts); c.74-6564C>T (NM_001406784.1); c.74-9632C>T (NM_001406794.1, NM_001406792.1, NM_001406793.1); short protein forms P155S.
Identifiers: ClinVar variation 2630957 (VCV002630957.2), dbSNP rs1356388972, ClinGen allele CA376770886.
Genomic context (GRCh38, chr10:43,102,467, plus strand): 5'-GGCGAGTGCCAGTGGCCAGGCTGTGCCCGCGTATACTTCTCCTTCTTCAACACCTCCTTT[C>T]CAGCCTGCAGCTCCCTCAAGCCCCGGGAGCTCTGCTTCCCAGAGACAAGGCCCTCCTTCC-3'
Protein context (NP_066124.1, residues 145-165): VYFSFFNTSF[Pro155Ser]ACSSLKPREL